The following is an entry in ClinVar:

NM_000494.4(COL17A1):c.2605+1G>C

Gene: COL17A1 (collagen type XVII alpha 1 chain; minus strand). Cytogenetic location: 10q25.1.
Variant type: single nucleotide variant.
Coding change: c.2605+1G>C on transcript NM_000494.4 (MANE Select); the canonical splice donor site of the intron after coding-DNA position 2605, G replaced by C.
Molecular consequence: splice donor variant.
Genome position (GRCh38, 1-based): chr10:104,041,484, C>G on the plus strand (G>C on the coding strand, the complement: COL17A1 is on the minus strand). VCF-style: chr10-104041484-C-G. GRCh37 (hg19) VCF-style: chr10-105801242-C-G.
Identifiers: ClinVar variation 2834484 (VCV002834484.3), dbSNP rs990187694, ClinGen allele CA378068378.

ClinVar aggregate classification (germline): Likely pathogenic (1 of 4 stars; one submission).

gnomAD v4.1: 2 of 1,609,204 alleles (0.00012%); highest among the groups gnomAD compares: East Asian, 0.0022%; no homozygotes.

Submission:

Labcorp Genetics (formerly Invitae), Labcorp
Classification: Likely pathogenic. Last evaluated: 2023-02-04. Review status: criteria provided, single submitter. Criteria: Invitae Variant Classification Sherloc (09022015). Collection method: clinical testing. Allele origin: germline.
Comment: This variant has not been reported in the literature in individuals affected with COL17A1-related conditions. This variant is present in population databases (no rsID available, gnomAD 0.006%). This sequence change affects a donor splice site in intron 37 of the COL17A1 gene. It is expected to disrupt RNA splicing. Variants that disrupt the donor or acceptor splice site typically lead to a loss of protein function (PMID: 16199547), and loss-of-function variants in COL17A1 are known to be pathogenic (PMID: 16473856, 17344927, 20301304, 21357940, 24319098). In summary, the currently available evidence indicates that the variant is pathogenic, but additional data are needed to prove that conclusively. Therefore, this variant has been classified as Likely Pathogenic. Algorithms developed to predict the effect of sequence changes on RNA splicing suggest that this variant may disrupt the consensus splice site.

Literature cited by the submitters: PubMed 16199547; PubMed 16473856; PubMed 17344927; PubMed 20301304; PubMed 21357940; PubMed 24319098.